The following is an entry in ClinVar:

NC_000001.10:g.(?_160261105)_(160261739_?)del

Gene: COPA (coat protein complex I subunit alpha; minus strand). Cytogenetic location: 1q23.2.
Variant type: Deletion.
Identifiers: ClinVar variation 3247847 (VCV003247847.1).

ClinVar aggregate classification (germline): Uncertain significance (1 of 4 stars; one submission).

Conditions:
Autoimmune interstitial lung disease-arthritis syndrome. Also called: Autoinflammation and autoimmunity, systemic, with immune dysregulation. Identifiers: Orphanet 444092, MedGen C5975714, MONDO:0014629.

Submission:

Labcorp Genetics (formerly Invitae), Labcorp
Classification: Uncertain significance for Autoimmune interstitial lung disease-arthritis syndrome. Last evaluated: 2023-08-11. Review status: criteria provided, single submitter. Criteria: Invitae Variant Classification Sherloc (09022015). Collection method: clinical testing. Allele origin: unknown.
Comment: In summary, the available evidence is currently insufficient to determine the role of this variant in disease. Therefore, it has been classified as a Variant of Uncertain Significance. Experimental studies and prediction algorithms are not available or were not evaluated, and the functional significance of this variant is currently unknown. This variant has not been reported in the literature in individuals affected with COPA-related conditions. This variant is a gross deletion of the genomic region encompassing exon(s) 30-31 of the COPA gene. This variant would be expected to be in-frame, preserving the integrity of the reading frame.